The following is an entry in ClinVar:

ClinVar aggregate classification (germline): Likely benign (1 of 4 stars; one submission).

Conditions:
Tuberous sclerosis 1 (TSC1). Identifiers: Orphanet 805, MedGen C1854465, MONDO:0008612, OMIM 191100.

Submission:

Myriad Genetics, Inc.
Classification: Likely benign for Tuberous sclerosis 1. Last evaluated: 2025-04-24. Review status: criteria provided, single submitter. Criteria: Myriad Autosomal Dominant, Autosomal Recessive and X-Linked Classification Criteria (2023). Collection method: clinical testing. Allele origin: unknown.
Comment: This variant is considered likely benign. This variant is intronic and is not expected to impact mRNA splicing.

NM_000368.5(TSC1):c.2041+6G>T

Gene: TSC1 (TSC complex subunit 1; minus strand). Cytogenetic location: 9q34.13.
Variant type: single nucleotide variant.
Coding change: c.2041+6G>T on transcript NM_000368.5 (MANE Select); 6 bases into the intron after coding-DNA position 2041, G replaced by T.
Molecular consequence: intron variant.
Genome position (GRCh38, 1-based): chr9:132,904,405, C>A on the plus strand (G>T on the coding strand, the complement: TSC1 is on the minus strand). VCF-style: chr9-132904405-C-A. GRCh37 (hg19) VCF-style: chr9-135779792-C-A.
Other names: c.988+6G>T (NM_001406630.1, NM_001406629.1); c.1678+6G>T (NM_001406624.1, NM_001406616.1, NM_001406615.1 and 5 more transcripts); c.1675+6G>T (NM_001406623.1, NM_001406620.1, NM_001406625.1 and 2 more transcripts); c.2038+6G>T (NM_001406599.1, NM_001406603.1, NM_001406609.1 and 6 more transcripts); c.2041+6G>T (NM_001406594.1, NM_001406602.1, NM_001406606.1 and 7 more transcripts); c.1885+6G>T (NM_001406613.1, NM_001406612.1, NM_001406611.1); c.1888+6G>T (NM_001406610.1, NM_001162427.2); c.1087+6G>T (NM_001406627.1, NM_001406628.1); and 1 more.
Identifiers: ClinVar variation 4071075 (VCV004071075.1).
Genomic context (GRCh38, chr9:132,904,405, plus strand): 5'-ACAGAAAGGGCAACAAGCAAGCAGGAACCATGTGGGCTGGATTTGGAGCTAAAGTAACAA[C>A]TTTACCTCCAAAGTGGGTCCAGTCGACAGACTTGCTGGGTAAAGGCAACCTAGGAAGAAA-3'